The following is an entry in ClinVar:

ClinVar aggregate classification (germline): Pathogenic (1 of 4 stars; one submission).

Conditions:
Diamond-Blackfan anemia. Also called: Blackfan Diamond syndrome; Aregenerative anemia chronic congenital; Red cell aplasia, pure hereditary; Congenital hypoplastic anemia; Aase syndrome. Identifiers: Orphanet 124, MedGen C1260899, MeSH D029503, MONDO:0015253, HP:0004810.

Submission:

Labcorp Genetics (formerly Invitae), Labcorp
Classification: Pathogenic for Diamond-Blackfan anemia. Last evaluated: 2019-07-23. Review status: criteria provided, single submitter. Criteria: Invitae Variant Classification Sherloc (09022015). Collection method: clinical testing. Allele origin: germline.
Comment: For these reasons, this variant has been classified as Pathogenic. This variant disrupts the C-terminus of the RPS19 protein. Experimental studies have shown that deletion of the C-terminal portion of the RPS19 protein reduces protein stability and nuclear localization (PMID: 18768533). Moreover, other variant(s) that disrupt this region (p.Ala100Trpfs*12, p.Gln128*) have been determined to be pathogenic (PMID: 12750732, Invitae). This suggests that variants that disrupt this region of the protein are likely to be causative of disease. This variant is not present in population databases (ExAC no frequency). This sequence change results in a premature translational stop signal in the RPS19 gene (p.Val87Argfs*67). While this is not anticipated to result in nonsense mediated decay, it is expected to disrupt the last 59 amino acids of the RPS19 protein.

Literature cited by the submitters: PubMed 18768533; PubMed 12750732.

NM_001022.4(RPS19):c.257dup (p.Val87fs)

Genes: RPS19 (ribosomal protein S19; plus strand), RPS19-CD79A (RPS19-CD79A readthrough; plus strand). Cytogenetic location: 19q13.2.
Variant type: Duplication.
Coding change: c.257dup on transcript NM_001022.4 (MANE Select); coding-DNA position 257, one base duplicated (G; older notation c.257dupG).
Protein change: p.Val87fs; shifts the reading frame from valine 87.
Molecular consequence: frameshift variant.
Genome position (GRCh38, 1-based): chr19:41,869,115, G duplicated; the last of 2 consecutive G bases (chr19:41,869,114-41,869,115); duplicating either gives the same sequence. VCF-style (leftmost placement, unchanged base first): chr19-41869113-C-CG. GRCh37 (hg19) VCF-style: chr19-42373183-C-CG.
Other names: c.257dup, p.Val87fs (NM_001321483.2, NM_001321484.2); c.270dup, p.Arg91fs (NM_001321485.2); short protein forms V87fs, R91fs.
Identifiers: ClinVar variation 950789 (VCV000950789.10), dbSNP rs2074118749, ClinGen allele CA1139666469.